The following is an entry in ClinVar:

NM_004985.5(KRAS):c.451-5652C>T

Gene: KRAS (KRas proto-oncogene, GTPase; minus strand). Cytogenetic location: 12p12.1.
Variant type: single nucleotide variant.
Coding change: c.451-5652C>T on transcript NM_004985.5 (MANE Select); 5652 bases into the intron before coding-DNA position 451, C replaced by T.
Molecular consequence: intron variant.
Genome position (GRCh38, 1-based): chr12:25,215,563, G>A on the plus strand (C>T on the coding strand, the complement: KRAS is on the minus strand). VCF-style: chr12-25215563-G-A. GRCh37 (hg19) VCF-style: chr12-25368497-G-A.
Other names: c.451-5652C>T (NM_001369787.1); c.451-3C>T (NM_001369786.1, NM_033360.4).
Identifiers: ClinVar variation 180052 (VCV000180052.6), dbSNP rs727505314, ClinGen allele CA185714.

ClinVar aggregate classification (germline): Likely benign. Review status: criteria provided, multiple submitters, no conflicts (2 of 4 stars). 3 submissions from 3 submitters: Likely benign (3). Last evaluated 2026-03-17.

Conditions:
Noonan syndrome 3 (NS3). Also called: KRAS-Related Noonan Syndrome. Identifiers: Orphanet 648, MedGen C1860991, MONDO:0012371, OMIM 609942.
Autoimmune lymphoproliferative syndrome type 4. Also called: AUTOIMMUNE LYMPHOPROLIFERATIVE SYNDROME, TYPE IV; RAS-associated autoimmune leukoproliferative disorder. Identifiers: Orphanet 268114, MedGen C2674723, MONDO:0013767, OMIM 614470.
Linear nevus sebaceous syndrome. Also called: JADASSOHN NEVUS PHAKOMATOSIS; NEVUS SEBACEUS OF JADASSOHN; ORGANOID NEVUS PHAKOMATOSIS; SFM SYNDROME; Nevus, Sebaceous of Jadassohn; SCHIMMELPENNING-FEUERSTEIN-MIMS SYNDROME, SOMATIC MOSAIC. Identifiers: Orphanet 2612, MedGen C4552097, MONDO:0008097, OMIM 163200, HP:0010817.
Cerebral arteriovenous malformation (BAVM). Also called: Arteriovenous malformations of the brain; CEREBRAL ARTERIOVENOUS MALFORMATIONS. Identifiers: Orphanet 46724, MedGen C0917804, MONDO:0007154, OMIM 108010, HP:0002408.
Toriello-Lacassie-Droste syndrome. Identifiers: Orphanet 3339, MedGen C1838329, MONDO:0010854, OMIM 600268.
Malignant tumor of urinary bladder. Also called: Bladder cancer; Urinary Bladder Neoplasms; Urinary bladder cancer. Identifiers: MedGen C0005684, MONDO:0001187, OMIM 109800.
Lung cancer. Also called: Lung cancer, somatic; Malignant tumor of lung. Identifiers: MedGen C0242379, MONDO:0008903, OMIM 211980.
Cardiofaciocutaneous syndrome 2 (CFC2). Also called: KRAS-Related Cardiofaciocutaneous Syndrome. Identifiers: Orphanet 1340, MedGen C3809005, MONDO:0014112, OMIM 615278.
Familial cancer of breast. Also called: hereditary breast carcinoma; BREAST CANCER, FAMILIAL; Hereditary breast cancer. Identifiers: Orphanet 227535, MedGen C0346153, MONDO:0016419, OMIM 114480. Disease mechanism: loss of function.
Acute myeloid leukemia (AML). Also called: Acute myeloid leukemia, adult; AML adult; Acute non-lymphocytic leukemia; Acute granulocytic leukemia; Leukemia, acute myeloid, somatic; Leukemia, acute myelogenous, somatic. Identifiers: Orphanet 519, MedGen C0023467, MeSH D015470, MONDO:0018874, OMIM 601626, HP:0004808. Disease mechanism: Constitutively activated FLT3.
Gastric cancer. Also called: Stomach cancer; Malignant tumor of stomach. Identifiers: MedGen C0024623, MeSH D013274, MONDO:0001056, OMIM 613659, HP:0012126.
Carcinoma of pancreas. Also called: PANCREATIC ACINAR CARCINOMA; PANCREATIC CARCINOMA; Pancreatic cancer, somatic; Pancreatic carcinoma, somatic; Exocrine pancreatic carcinoma. Identifiers: Orphanet 1333, Orphanet 217074, MedGen C0235974, MONDO:0005192. Disease mechanism: loss of function.

Allele frequency attached by ClinVar (database versions not stated): ExAC 0.00002; gnomAD exomes 0.00002 and 0.00006; TOPMed 0.00002; gnomAD 0.00004.
gnomAD v4.1: 87 of 1,607,920 alleles (0.0054%); highest among the groups gnomAD compares: Non-Finnish European, 0.0071%; no homozygotes.

Submissions (3):

Women's Health and Genetics/Laboratory Corporation of America, LabCorp
Classification: Likely benign. Last evaluated: 2026-03-17. Review status: criteria provided, single submitter. Criteria: LabCorp Variant Classification Summary - May 2015. Collection method: clinical testing. Allele origin: germline.
Comment: Variant summary: KRAS c.451-3C>T alters a conserved nucleotide located close to a canonical splice site and therefore could affect mRNA splicing, leading to a significantly altered protein sequence. Consensus agreement among computation tools predict no significant impact on normal splicing. However, these predictions have yet to be confirmed by functional studies. The variant allele was found at a frequency of 5.4e-05 in 1607920 control chromosomes. The observed variant frequency exceeds the estimated maximal expected allele frequency for disease-causing variants in KRAS. To our knowledge, no occurrence of c.451-3C>T in individuals affected with KRAS-related conditions and no experimental evidence demonstrating its impact on protein function have been reported. ClinVar contains an entry for this variant (Variation ID: 180052). Based on the evidence outlined above, the variant was classified as likely benign.

Fulgent Genetics
Classification: Likely benign for Cerebral arteriovenous malformation; Malignant tumor of urinary bladder; Familial cancer of breast; Linear nevus sebaceous syndrome; Lung cancer; Familial pancreatic carcinoma; Toriello-Lacassie-Droste syndrome; Acute myeloid leukemia; Noonan syndrome 3; Gastric cancer; Autoimmune lymphoproliferative syndrome type 4; Cardiofaciocutaneous syndrome 2. Last evaluated: 2021-09-17. Review status: criteria provided, single submitter. Criteria: ACMG Guidelines, 2015. Collection method: clinical testing. Allele origin: unknown.

Laboratory for Molecular Medicine, Mass General Brigham Personalized Medicine
Classification: Likely benign. Last evaluated: 2015-01-13. Review status: criteria provided, single submitter. Criteria: LMM Criteria. Collection method: clinical testing. Allele origin: germline. Observed: 2 variant alleles.
Comment: c.451-3C>T in intron 4 of KRAS: This variant is not expected to have clinical s ignificance because it is located in an alternate transcript (KRAS-A) that is no t predicted to be essential for development and was identified by our laboratory in an unaffected parent of an individual with clinical features of Noonan syndr ome. Functional studies provide some evidence that mice lacking this alternate t ranscript were viable, fertile, and showed no histopathological abnormalities (P lowman 2003). It is located in the 3' splice region of KRAS-A, but computational tools do not suggest an impact to splicing. Additionally, no pathogenic sequenc e variants in this region of the KRAS gene have been identified in individuals w ith RASopathies to date.

Literature cited by the submitters: PubMed 14645534 (cited by Laboratory for Molecular Medicine, Mass General Brigham Personalized Medicine); PubMed 9362444 (cited by Laboratory for Molecular Medicine, Mass General Brigham Personalized Medicine).